The following is an entry in ClinVar:

ClinVar aggregate classification (germline): Uncertain significance. Review status: criteria provided, multiple submitters, no conflicts (2 of 4 stars). 7 submissions from 7 submitters: Uncertain significance (7). Last evaluated 2025-10-10.

Conditions:
Cardiovascular phenotype. Identifiers: MedGen CN230736.
CSRP3-related disorder. Also called: CSRP3-related disorders; CSRP3-related condition.
Hypertrophic cardiomyopathy 12. Identifiers: MedGen C2677491, MONDO:0012804, OMIM 612124.
Dilated cardiomyopathy 1M (CMD1M). Identifiers: Orphanet 154, MedGen C1843808, MONDO:0011840, OMIM 607482.

Allele frequency attached by ClinVar (database versions not stated): gnomAD exomes 0.00001 and 0.00002; TOPMed 0.00005; gnomAD 0.00008 and 0.00009; ExAC 0.00001.

Submissions (7):

Labcorp Genetics (formerly Invitae), Labcorp
Classification: Uncertain significance for Hypertrophic cardiomyopathy 12; Dilated cardiomyopathy 1M. Last evaluated: 2025-10-10. Review status: criteria provided, single submitter. Criteria: Invitae Variant Classification Sherloc (09022015). Collection method: clinical testing. Allele origin: germline.
Comment: This sequence change replaces valine, which is neutral and non-polar, with isoleucine, which is neutral and non-polar, at codon 17 of the CSRP3 protein (p.Val17Ile). This variant is present in population databases (rs767932680, gnomAD 0.01%). This variant has not been reported in the literature in individuals affected with CSRP3-related conditions. ClinVar contains an entry for this variant (Variation ID: 517386). An algorithm developed to predict the effect of missense changes on protein structure and function (PolyPhen-2) suggests that this variant is likely to be disruptive. In summary, the available evidence is currently insufficient to determine the role of this variant in disease. Therefore, it has been classified as a Variant of Uncertain Significance.

Ambry Genetics
Classification: Uncertain significance for Cardiovascular phenotype. Last evaluated: 2025-02-28. Review status: criteria provided, single submitter. Criteria: Ambry Variant Classification Scheme 2023. Collection method: clinical testing. Allele origin: germline.
Comment: The p.V17I variant (also known as c.49G>A), located in coding exon 1 of the CSRP3 gene, results from a G to A substitution at nucleotide position 49. The valine at codon 17 is replaced by isoleucine, an amino acid with highly similar properties. This amino acid position is highly conserved in available vertebrate species. In addition, the in silico prediction for this alteration is inconclusive. Since supporting evidence is limited at this time, the clinical significance of this alteration remains unclear.

GeneDx
Classification: Uncertain significance. Last evaluated: 2024-11-19. Review status: criteria provided, single submitter. Criteria: GeneDx Variant Classification Process June 2021. Collection method: clinical testing. Allele origin: germline. Affected: yes.
Comment: Identified in a patient from a cohort of individuals with preeclampsia (PMID: 30021846); In silico analysis indicates that this missense variant does not alter protein structure/function; This variant is associated with the following publications: (PMID: 30021846)

PreventionGenetics, part of Exact Sciences
Classification: Uncertain significance for CSRP3-related condition. Last evaluated: 2023-07-07. Review status: criteria provided, single submitter. Criteria: ACMG Guidelines, 2015. Collection method: clinical testing. Allele origin: germline.
Comment: The CSRP3 c.49G>A variant is predicted to result in the amino acid substitution p.Val17Ile. This variant was reported in a preeclampsia cohort investigating the association between preeclampsia and cardiomyopathy (Table S3, Gammill et al. 2018. PubMed ID: 30021846). This variant is reported in 0.012% of alleles in individuals of African descent in gnomAD. At this time, the clinical significance of this variant is uncertain due to the absence of conclusive functional and genetic evidence.

Women's Health and Genetics/Laboratory Corporation of America, LabCorp
Classification: Uncertain significance. Last evaluated: 2023-05-23. Review status: criteria provided, single submitter. Criteria: LabCorp Variant Classification Summary - May 2015. Collection method: clinical testing. Allele origin: germline.
Comment: Variant summary: CSRP3 c.49G>A (p.Val17Ile) results in a conservative amino acid change located in the Zinc finger, LIM-type domain (IPR001781) of the encoded protein sequence. Four of five in-silico tools predict a damaging effect of the variant on protein function. The variant allele was found at a frequency of 1.2e-05 in 251444 control chromosomes (gnomAD). The available data on variant occurrences in the general population are insufficient to allow any conclusion about variant significance. c.49G>A has been reported in the literature in individuals affected with Preeclampsia (Gammill_2018). This report does not provide unequivocal conclusions about association of the variant with Cardiomyopathy. To our knowledge, no experimental evidence demonstrating an impact on protein function has been reported. The following publication has been ascertained in the context of this evaluation (PMID: 30021846). Five ClinVar submitters have assessed the variant since 2014: all have classified the variant as uncertain significance. Based on the evidence outlined above, the variant was classified as uncertain significance.

Fulgent Genetics
Classification: Uncertain significance for Dilated cardiomyopathy 1M; Hypertrophic cardiomyopathy 12. Last evaluated: 2021-09-07. Review status: criteria provided, single submitter. Criteria: ACMG Guidelines, 2015. Collection method: clinical testing. Allele origin: unknown.

Laboratory for Molecular Medicine, Mass General Brigham Personalized Medicine
Classification: Uncertain significance. Last evaluated: 2017-05-22. Review status: criteria provided, single submitter. Criteria: LMM Criteria. Collection method: clinical testing. Allele origin: germline. Observed: 1 variant allele.
Comment: The p.Val17Ile variant in CSRP3 has not been previously reported in individuals with cardiomyopathy, but has been identified in 3/126684 European chromosomes by the genome Aggregation Database (gnomAD; dbS NP rs767932680). Computational prediction tools and conservation analysis sugges t that the p.Val17Ile variant may impact the protein, though this information is not predictive enough to determine pathogenicity. In summary, the clinical sign ificance of the p.Val17Ile variant is uncertain.

Literature cited by the submitters: PubMed 27650965 (cited by Ambry Genetics); PubMed 30021846 (cited by Women's Health and Genetics/Laboratory Corporation of America, LabCorp).

NM_003476.5(CSRP3):c.49G>A (p.Val17Ile)

Gene: CSRP3 (cysteine and glycine rich protein 3; minus strand). Cytogenetic location: 11p15.1.
Variant type: single nucleotide variant.
Coding change: c.49G>A on transcript NM_003476.5 (MANE Select); coding-DNA position 49, G replaced by A.
Protein change: p.Val17Ile; replaces valine 17 with isoleucine.
Molecular consequence: missense variant.
Genome position (GRCh38, 1-based): chr11:19,192,400, C>T on the plus strand (G>A on the coding strand, the complement: CSRP3 is on the minus strand). VCF-style: chr11-19192400-C-T. GRCh37 (hg19) VCF-style: chr11-19213947-C-T.
Other names: c.49G>A, p.Val17Ile (NM_001369404.1); short protein forms V17I.
Identifiers: ClinVar variation 517386 (VCV000517386.21), dbSNP rs767932680, ClinGen allele CA5916680.